The following is an entry in ClinVar:

NM_004415.4(DSP):c.2735dup (p.Leu912fs)

Gene: DSP (desmoplakin; plus strand). Cytogenetic location: 6p24.3.
Variant type: Duplication.
Coding change: c.2735dup on transcript NM_004415.4 (MANE Select); coding-DNA position 2735, one base duplicated (T; older notation c.2735dupT).
Protein change: p.Leu912fs; shifts the reading frame from leucine 912.
Molecular consequence: frameshift variant.
Genome position (GRCh38, 1-based): chr6:7,576,398, T duplicated; the last of 2 consecutive T bases (chr6:7,576,397-7,576,398); duplicating either gives the same sequence. VCF-style (leftmost placement, unchanged base first): chr6-7576396-C-CT. GRCh37 (hg19) VCF-style: chr6-7576629-C-CT.
Other names: c.2735dup, p.Leu912fs (NM_001008844.3, NM_001319034.2); short protein forms L912fs.
Identifiers: ClinVar variation 2003809 (VCV002003809.4), dbSNP rs2533911529, ClinGen allele CA2580075379.

ClinVar aggregate classification (germline): Pathogenic (1 of 4 stars; one submission).

Conditions:
Arrhythmogenic right ventricular dysplasia 8 (ARVD8). Also called: ARRHYTHMOGENIC RIGHT VENTRICULAR CARDIOMYOPATHY 8; Arrhythmogenic Right Ventricular Dysplasia/Cardiomyopathy 8; ARRHYTHMOGENIC RIGHT VENTRICULAR DYSPLASIA, FAMILIAL, 8. Identifiers: MedGen C1843896, MONDO:0011831, OMIM 607450.
Arrhythmogenic cardiomyopathy with wooly hair and keratoderma. Also called: PALMOPLANTAR KERATODERMA WITH LEFT VENTRICULAR CARDIOMYOPATHY AND WOOLLY HAIR; Arrhythmogenic cardiomyopathy with woolly hair and keratoderma; Carvajal syndrome; Dilated cardiomyopathy with woolly hair and keratoderma. Identifiers: Orphanet 65282, MedGen C1854063, MONDO:0011581, OMIM 605676.

Submission:

Labcorp Genetics (formerly Invitae), Labcorp
Classification: Pathogenic for Arrhythmogenic cardiomyopathy with wooly hair and keratoderma; Arrhythmogenic right ventricular dysplasia 8. Last evaluated: 2022-06-09. Review status: criteria provided, single submitter. Criteria: Invitae Variant Classification Sherloc (09022015). Collection method: clinical testing. Allele origin: germline.
Comment: For these reasons, this variant has been classified as Pathogenic. This variant has not been reported in the literature in individuals affected with DSP-related conditions. This variant is not present in population databases (gnomAD no frequency). This sequence change creates a premature translational stop signal (p.Leu912Phefs*18) in the DSP gene. It is expected to result in an absent or disrupted protein product. Loss-of-function variants in DSP are known to be pathogenic (PMID: 20716751, 24503780, 25227139).

Literature cited by the submitters: PubMed 20716751; PubMed 24503780; PubMed 25227139.